The following is an entry in ClinVar:

NM_000350.3(ABCA4):c.3085C>T (p.Gln1029Ter)

Gene: ABCA4 (ATP binding cassette subfamily A member 4; minus strand). Cytogenetic location: 1p22.1.
Variant type: single nucleotide variant.
Coding change: c.3085C>T on transcript NM_000350.3 (MANE Select); coding-DNA position 3085, C replaced by T.
Protein change: p.Gln1029Ter; replaces glutamine 1029 with a stop codon.
Molecular consequence: nonsense.
Genome position (GRCh38, 1-based): chr1:94,043,441, G>A on the plus strand (C>T on the coding strand, the complement: ABCA4 is on the minus strand). VCF-style: chr1-94043441-G-A. GRCh37 (hg19) VCF-style: chr1-94508997-G-A.
Other names: c.2863C>T, p.Gln955Ter (NM_001425324.1); short protein forms Q1029*, Q955*.
Identifiers: ClinVar variation 99197 (VCV000099197.11), dbSNP rs61751397, ClinGen allele CA227079.

ClinVar aggregate classification (germline): Pathogenic. Review status: criteria provided, multiple submitters, no conflicts (2 of 4 stars). 6 submissions from 5 submitters: Pathogenic (5). 1 of the submissions does not count toward it. Last evaluated 2025-04-28.

Conditions:
ABCA4-related disorder. Also called: ABCA4-related condition; ABCA4-related disorders. Identifiers: MedGen CN239167.
Retinal dystrophy. Also called: Inherited retinal dystrophy. Identifiers: Orphanet 71862, MedGen C0854723, MeSH D058499, MONDO:0019118, HP:0000556.
Severe early-childhood-onset retinal dystrophy (STGD1). Also called: MACULAR DYSTROPHY WITH FLECKS, TYPE 1; STGD; Stargardt disease 1; Stargardt macular dystrophy; Juvenile onset macular degeneration. Identifiers: Orphanet 364055, Orphanet 827, MedGen C1855465, MeSH D000080362, MONDO:0009549, OMIM 248200.

Allele frequency attached by ClinVar (database versions not stated): gnomAD exomes below 0.00001.
gnomAD v4.1: 1 of 1,614,188 alleles (0.000062%); highest among the groups gnomAD compares: Non-Finnish European, 0.000085%; no homozygotes.

Submissions (6):

Labcorp Genetics (formerly Invitae), Labcorp
Classification: Pathogenic. Last evaluated: 2025-04-28. Review status: criteria provided, single submitter. Criteria: Invitae Variant Classification Sherloc (09022015). Collection method: clinical testing. Allele origin: germline.
Comment: This sequence change creates a premature translational stop signal (p.Gln1029*) in the ABCA4 gene. It is expected to result in an absent or disrupted protein product. Loss-of-function variants in ABCA4 are known to be pathogenic (PMID: 10958761, 24938718, 25312043, 26780318). This variant is not present in population databases (gnomAD no frequency). This premature translational stop signal has been observed in individuals with cone-rod dystrophy and Stargardt disease (PMID: 12037008, 28118664, 29555955). ClinVar contains an entry for this variant (Variation ID: 99197). For these reasons, this variant has been classified as Pathogenic.

Blueprint Genetics
Classification: Pathogenic for ABCA4-related disorders. Last evaluated: 2022-11-18. Review status: criteria provided, single submitter. Criteria: ACMG Guidelines, 2015. Collection method: clinical testing. Allele origin: germline. Affected: yes. Observed: 4 variant alleles.

GeneDx
Classification: Pathogenic. Last evaluated: 2018-04-09. Review status: criteria provided, single submitter. Criteria: GeneDx Variant Classification (06012015). Collection method: clinical testing. Allele origin: germline. Affected: yes.
Comment: The Q1029X variant in the ABCA4 gene has been reported previously in association with cone rod dystrophy, when seen in the heterozygous state with a second ABCA4 variant (Klevering et al., 2002; Thiadens et al., 2012). This variant is predicted to cause loss of normal protein function either through protein truncation or nonsense-mediated mRNA decay. The Q1029X variant is not observed in large population cohorts (Lek et al., 2016). We interpret Q1029X as a pathogenic variant.

Institute of Human Genetics, Univ. Regensburg, Univ. Regensburg
Classification: Pathogenic for Severe early-childhood-onset retinal dystrophy. Last evaluated: 2016-01-01. Review status: criteria provided, single submitter. Criteria: Schulz et al. (Invest Ophthalmol Vis Sci. 2017). Collection method: clinical testing. Allele origin: germline. Affected: yes. Observed: 1 heterozygote.

Institute of Human Genetics, Univ. Regensburg, Univ. Regensburg
Classification: Pathogenic for Retinal dystrophy. Last evaluated: 2016-01-01. Review status: criteria provided, single submitter. Criteria: ACMG Guidelines, 2015. Collection method: clinical testing. Allele origin: germline. Affected: yes.

Retina International
No classification provided. Review status: no classification provided. Collection method: not provided. Allele origin: not provided. Not counted in ClinVar's aggregate classification.

Literature cited by the submitters: PubMed 10958761 (cited by Labcorp Genetics (formerly Invitae), Labcorp); PubMed 24938718 (cited by Labcorp Genetics (formerly Invitae), Labcorp); PubMed 25312043 (cited by Labcorp Genetics (formerly Invitae), Labcorp); PubMed 26780318 (cited by Labcorp Genetics (formerly Invitae), Labcorp); PubMed 12037008 (cited by Labcorp Genetics (formerly Invitae), Labcorp and Institute of Human Genetics, Univ. Regensburg, Univ. Regensburg); PubMed 28118664 (cited by Labcorp Genetics (formerly Invitae), Labcorp and Institute of Human Genetics, Univ. Regensburg, Univ. Regensburg); PubMed 29555955 (cited by Labcorp Genetics (formerly Invitae), Labcorp and Institute of Human Genetics, Univ. Regensburg, Univ. Regensburg); PubMed 22264887 (cited by Institute of Human Genetics, Univ. Regensburg, Univ. Regensburg); PubMed 25525159 (cited by Institute of Human Genetics, Univ. Regensburg, Univ. Regensburg).